The following is an entry in ClinVar:

NM_001100.4(ACTA1):c.165C>G (p.Tyr55Ter)

Gene: ACTA1 (actin alpha 1, skeletal muscle; minus strand). Cytogenetic location: 1q42.13.
Variant type: single nucleotide variant.
Coding change: c.165C>G on transcript NM_001100.4 (MANE Select); coding-DNA position 165, C replaced by G.
Protein change: p.Tyr55Ter; replaces tyrosine 55 with a stop codon.
Molecular consequence: nonsense.
Genome position (GRCh38, 1-based): chr1:229,432,845, G>C on the plus strand (C>G on the coding strand, the complement: ACTA1 is on the minus strand). VCF-style: chr1-229432845-G-C. GRCh37 (hg19) VCF-style: chr1-229568592-G-C.
Other names: short protein forms Y55*.
Identifiers: ClinVar variation 3723210 (VCV003723210.3).

ClinVar aggregate classification (germline): Pathogenic/Likely pathogenic. Review status: criteria provided, multiple submitters, no conflicts (2 of 4 stars). 2 submissions from 2 submitters: Pathogenic (1); Likely pathogenic (1). Last evaluated 2025-03-20.

Conditions:
Actin accumulation myopathy (CMYO2A). Also called: Nemaline myopathy type 3; Myopathy, actin, congenital, with excess of thin myofilaments; CONGENITAL MYOPATHY 2A, TYPICAL, AUTOSOMAL DOMINANT; Myopathy, actin, congenital, with cores; Nemaline myopathy 3, with intranuclear rods. Identifiers: Orphanet 98904, MedGen C3711389, MONDO:0008070, OMIM 161800.

Submissions (2):

GeneDx
Classification: Likely pathogenic. Last evaluated: 2025-03-20. Review status: criteria provided, single submitter. Criteria: GeneDx Variant Classification Process June 2021. Collection method: clinical testing. Allele origin: germline. Affected: yes.
Comment: Nonsense variant predicted to result in protein truncation or nonsense mediated decay in a gene for which loss of function is a known mechanism of disease; Not observed at significant frequency in large population cohorts (gnomAD); Has not been previously published as pathogenic or benign to our knowledge

Labcorp Genetics (formerly Invitae), Labcorp
Classification: Pathogenic for Actin accumulation myopathy. Last evaluated: 2024-10-17. Review status: criteria provided, single submitter. Criteria: Invitae Variant Classification Sherloc (09022015). Collection method: clinical testing. Allele origin: germline.
Comment: This sequence change creates a premature translational stop signal (p.Tyr55*) in the ACTA1 gene. It is expected to result in an absent or disrupted protein product. Loss-of-function variants in ACTA1 are known to be pathogenic (PMID: 19562689). This variant is not present in population databases (gnomAD no frequency). This variant has not been reported in the literature in individuals affected with ACTA1-related conditions. For these reasons, this variant has been classified as Pathogenic.

Literature cited by the submitters: PubMed 19562689 (cited by Labcorp Genetics (formerly Invitae), Labcorp).